The following is an entry in ClinVar:

ClinVar aggregate classification (germline): Uncertain significance (1 of 4 stars; one submission).

Conditions:
Hereditary cancer-predisposing syndrome. Also called: Neoplastic Syndromes, Hereditary; Tumor predisposition; Hereditary Cancer Syndrome; Hereditary neoplastic syndrome. Identifiers: Orphanet 140162, MedGen C0027672, MeSH D009386, MONDO:0015356.

Submission:

Ambry Genetics
Classification: Uncertain significance for Hereditary cancer-predisposing syndrome. Last evaluated: 2019-08-10. Review status: criteria provided, single submitter. Criteria: Ambry Variant Classification Scheme 2023. Collection method: clinical testing. Allele origin: germline.
Comment: The p.K223Q variant (also known as c.667A>C), located in coding exon 8 of the BRCA1 gene, results from an A to C substitution at nucleotide position 667. The lysine at codon 223 is replaced by glutamine, an amino acid with similar properties. This amino acid position is not well conserved in available vertebrate species. In addition, this alteration is predicted to be deleterious by in silico analysis. Since supporting evidence is limited at this time, the clinical significance of this alteration remains unclear.

Literature cited by the submitters: PubMed 23239986.

NM_007294.4(BRCA1):c.667A>C (p.Lys223Gln)

Gene: BRCA1 (BRCA1 DNA repair associated; minus strand). Cytogenetic location: 17q21.31.
Variant type: single nucleotide variant.
Coding change: c.667A>C on transcript NM_007294.4 (MANE Select); coding-DNA position 667, A replaced by C.
Protein change: p.Lys223Gln; replaces lysine 223 with glutamine.
Molecular consequence: missense variant. On other transcripts: non-coding transcript variant (1).
Genome position (GRCh38, 1-based): chr17:43,095,849, T>G on the plus strand (A>C on the coding strand, the complement: BRCA1 is on the minus strand). VCF-style: chr17-43095849-T-G. GRCh37 (hg19) VCF-style: chr17-41247866-T-G.
Other names: c.667A>C, p.Lys223Gln (NM_001407980.1, NM_001407981.1, NM_001407983.1 and 59 more transcripts); c.526A>C, p.Lys176Gln (NM_001407697.1, NM_001407698.1, NM_001407725.1 and 43 more transcripts); c.664A>C, p.Lys222Gln (NM_001407985.1, NM_001407984.1, NM_001407986.1 and 41 more transcripts); c.658A>C, p.Lys220Gln (NM_001408408.1, NM_001407646.1, NM_001407647.1); c.589A>C, p.Lys197Gln (NM_001408409.1, NM_001408411.1, NM_001408412.1 and 9 more transcripts); c.586A>C, p.Lys196Gln (NM_001408413.1, NM_001408416.1, NM_001407659.1 and 3 more transcripts); c.532A>C, p.Lys178Gln (NM_001408451.1); c.523A>C, p.Lys175Gln (NM_001408462.1, NM_001408463.1, NM_001408464.1 and 26 more transcripts); and 4 more; short protein forms K176Q, K196Q, K220Q, K95Q, K175Q, K222Q, K96Q, K152Q.
Identifiers: ClinVar variation 1754829 (VCV001754829.2), dbSNP rs2154513497, ClinGen allele CA10600767.